The following is an entry in ClinVar:

NM_020631.6(PLEKHG5):c.1002del (p.Gln334fs)

Gene: PLEKHG5 (pleckstrin homology and RhoGEF domain containing G5; minus strand). Cytogenetic location: 1p36.31.
Variant type: Deletion.
Coding change: c.1002del on transcript NM_020631.6 (MANE Select); coding-DNA position 1002, one base deleted (G; older notation c.1002delG).
Protein change: p.Gln334fs; shifts the reading frame from glutamine 334.
Molecular consequence: frameshift variant.
Genome position (GRCh38, 1-based): chr1:6,472,605, C deleted on the plus strand (G on the coding strand, the reverse complement: PLEKHG5 is on the minus strand). VCF-style (leftmost placement, unchanged base first): chr1-6472604-AC-A. GRCh37 (hg19) VCF-style: chr1-6532664-AC-A.
Other names: c.1113del, p.Gln371fs (NM_001042663.3, NM_001265592.2); c.1002delG, p.Gln334Hisfs (NM_001042664.2, NM_001042665.2, NM_001265594.3); c.1209delG, p.Gln403Hisfs (NM_001265593.2); c.1002del, p.Gln334fs (NM_198681.4); short protein forms Q334fs, Q403fs, Q371fs.
Identifiers: ClinVar variation 835966 (VCV000835966.8), dbSNP rs1644626732, ClinGen allele CA916080224.

ClinVar aggregate classification (germline): Pathogenic (1 of 4 stars; one submission).

Conditions:
Neuronopathy, distal hereditary motor, autosomal recessive 4. Also called: NEUROPATHY, DISTAL HEREDITARY MOTOR, AUTOSOMAL RECESSIVE 4; Autosomal recessive lower motor neuron disease with childhood onset. Identifiers: Orphanet 206580, MedGen C1970211, MONDO:0012608, OMIM 611067.
Charcot-Marie-Tooth disease recessive intermediate C. Also called: CHARCOT-MARIE-TOOTH NEUROPATHY, RECESSIVE INTERMEDIATE C. Identifiers: Orphanet 369867, MedGen C3809309, MONDO:0014154, OMIM 615376.

Submission:

Labcorp Genetics (formerly Invitae), Labcorp
Classification: Pathogenic for Neuronopathy, distal hereditary motor, autosomal recessive 4; Charcot-Marie-Tooth disease recessive intermediate C. Last evaluated: 2020-01-28. Review status: criteria provided, single submitter. Criteria: Invitae Variant Classification Sherloc (09022015). Collection method: clinical testing. Allele origin: germline.
Comment: For these reasons, this variant has been classified as Pathogenic. Loss-of-function variants in PLEKHG5 are known to be pathogenic (PMID: 17564964, 23777631). This variant has not been reported in the literature in individuals with PLEKHG5-related conditions. This variant is not present in population databases (ExAC no frequency). This sequence change creates a premature translational stop signal (p.Gln334Hisfs*24) in the PLEKHG5 gene. It is expected to result in an absent or disrupted protein product.

Literature cited by the submitters: PubMed 17564964; PubMed 23777631.